The following is an entry in ClinVar:

NM_000283.4(PDE6B):c.2352G>A (p.Lys784=)

Gene: PDE6B (phosphodiesterase 6B; plus strand). Cytogenetic location: 4p16.3.
Variant type: single nucleotide variant.
Coding change: c.2352G>A on transcript NM_000283.4 (MANE Select); coding-DNA position 2352, G replaced by A.
Protein change: p.Lys784=; no amino-acid change (lysine 784 retained).
Molecular consequence: synonymous variant.
Genome position (GRCh38, 1-based): chr4:666,614, G>A. VCF-style: chr4-666614-G-A. GRCh37 (hg19) VCF-style: chr4-660403-G-A.
Other names: c.2352G>A, p.Lys784= (NM_001145291.2); c.1515G>A, p.Lys505= (NM_001145292.2, NM_001350154.3, NM_001379246.1 and 1 more transcripts); c.1197G>A, p.Lys399= (NM_001350155.3).
Identifiers: ClinVar variation 1356257 (VCV001356257.6), dbSNP rs766851759, ClinGen allele CA2795015.

ClinVar aggregate classification (germline): Uncertain significance (1 of 4 stars; one submission).

Allele frequency attached by ClinVar (database versions not stated): TOPMed below 0.00001; gnomAD exomes 0.00001; ExAC 0.00002.
gnomAD v4.1: 16 of 1,605,136 alleles (0.001%); highest among the groups gnomAD compares: East Asian, 0.0022%; no homozygotes.

Submission:

Labcorp Genetics (formerly Invitae), Labcorp
Classification: Uncertain significance. Last evaluated: 2022-02-24. Review status: criteria provided, single submitter. Criteria: Invitae Variant Classification Sherloc (09022015). Collection method: clinical testing. Allele origin: germline.
Comment: In summary, the available evidence is currently insufficient to determine the role of this variant in disease. Therefore, it has been classified as a Variant of Uncertain Significance. Variants that disrupt the consensus splice site are a relatively common cause of aberrant splicing (PMID: 17576681, 9536098). Algorithms developed to predict the effect of sequence changes on RNA splicing suggest that this variant may disrupt the consensus splice site. This variant has not been reported in the literature in individuals affected with PDE6B-related conditions. This variant is present in population databases (rs766851759, gnomAD 0.004%). This sequence change affects codon 784 of the PDE6B mRNA. It is a 'silent' change, meaning that it does not change the encoded amino acid sequence of the PDE6B protein. This variant also falls at the last nucleotide of exon 20, which is part of the consensus splice site for this exon.

Literature cited by the submitters: PubMed 17576681; PubMed 9536098.